The following is an entry in ClinVar:

NM_002454.3(MTRR):c.1147-16G>A

Gene: MTRR (5-methyltetrahydrofolate-homocysteine methyltransferase reductase; plus strand). Cytogenetic location: 5p15.31.
Variant type: single nucleotide variant.
Coding change: c.1147-16G>A on transcript NM_002454.3 (MANE Select); 16 bases into the intron before coding-DNA position 1147, G replaced by A.
Molecular consequence: intron variant.
Genome position (GRCh38, 1-based): chr5:7,889,079, G>A. VCF-style: chr5-7889079-G-A. GRCh37 (hg19) VCF-style: chr5-7889192-G-A.
Other names: c.1147-16G>A (NM_001364440.2, NM_001364441.2, NM_001364442.2 and 1 more transcripts).
Identifiers: ClinVar variation 510541 (VCV000510541.9), dbSNP rs143842562, ClinGen allele CA3195847.
Genomic context (GRCh38, chr5:7,889,079, plus strand): 5'-GCAGACATTTAACTGAATATTCTAATAGCTCTACCCACAAATTGTGTCACAATTTAAGGC[G>A]GGCTCCTTTTTGTAGGCATTTTTGCGAGCCCTTGTGGACTATACCAGTGACAGTGCTGAA-3'

ClinVar aggregate classification (germline): Likely benign. Review status: criteria provided, multiple submitters, no conflicts (2 of 4 stars). 2 submissions from 2 submitters: Likely benign (2). Last evaluated 2024-07-30.

Conditions:
Methylcobalamin deficiency type cblE (HMAE). Also called: HOMOCYSTINURIA-MEGALOBLASTIC ANEMIA, cblE COMPLEMENTATION TYPE; HOMOCYSTINURIA-MEGALOBLASTIC ANEMIA, cblE TYPE; VITAMIN B12-RESPONSIVE HOMOCYSTINURIA, cblE TYPE. Identifiers: Orphanet 2169, Orphanet 622, MedGen C1856057, MONDO:0009354, OMIM 236270.

Allele frequency attached by ClinVar (database versions not stated): gnomAD exomes 0.00001 and 0.00005; TOPMed 0.00002; gnomAD 0.00004 and 0.00006; ExAC 0.00007; ESP Exome Variant Server 0.00015; 1000 Genomes Project 30x 0.00047; 1000 Genomes Project 0.00060.
gnomAD v4.1: 28 of 1,613,854 alleles (0.0017%); highest among the groups gnomAD compares: East Asian, 0.02%; no homozygotes.

Submissions (2):

Labcorp Genetics (formerly Invitae), Labcorp
Classification: Likely benign for Methylcobalamin deficiency type cblE. Last evaluated: 2024-07-30. Review status: criteria provided, single submitter. Criteria: Invitae Variant Classification Sherloc (09022015). Collection method: clinical testing. Allele origin: germline.

GeneDx
Classification: Likely benign. Last evaluated: 2017-06-29. Review status: criteria provided, single submitter. Criteria: GeneDx Variant Classification (06012015). Collection method: clinical testing. Allele origin: germline. Affected: yes.
Comment: This variant is considered likely benign or benign based on one or more of the following criteria: it is a conservative change, it occurs at a poorly conserved position in the protein, it is predicted to be benign by multiple in silico algorithms, and/or has population frequency not consistent with disease.